The following is an entry in ClinVar:

NM_138459.5(NUS1):c.378C>T (p.Ala126=)

Gene: NUS1 (NUS1 dehydrodolichyl diphosphate synthase subunit; plus strand). Cytogenetic location: 6q22.1.
Variant type: single nucleotide variant.
Coding change: c.378C>T on transcript NM_138459.5 (MANE Select); coding-DNA position 378, C replaced by T.
Protein change: p.Ala126=; no amino-acid change (alanine 126 retained).
Molecular consequence: synonymous variant.
Genome position (GRCh38, 1-based): chr6:117,676,048, C>T. VCF-style: chr6-117676048-C-T. GRCh37 (hg19) VCF-style: chr6-117997211-C-T.
Identifiers: ClinVar variation 753877 (VCV000753877.9), dbSNP rs774571642, ClinGen allele CA3977088.
Genomic context (GRCh38, chr6:117,676,048, plus strand): 5'-CGAGGTGGAGCAGGAACCCAGCTTCTCGGACATCGCGAGCCTCGTGGTGTGGTGTATGGC[C>T]GTGGGCATCTCCTACATTAGCGTCTACGACCACCAAGGTGAGGCCCGGTGCGGTGGTGGG-3'
Protein context (NP_612468.1, residues 116-136): DIASLVVWCM[Ala126=]VGISYISVYD

ClinVar aggregate classification (germline): Likely benign. Review status: criteria provided, multiple submitters, no conflicts (2 of 4 stars). 3 submissions from 3 submitters: Likely benign (2). 1 of the submissions does not count toward it. Last evaluated 2023-07-10.

Conditions:
Congenital disorder of glycosylation, type Iaa. Also called: Congenital disorder of glycosylation, type 1aa. Identifiers: MedGen C4310727, MONDO:0014904, OMIM 617082.
NUS1-related disorder. Also called: NUS1-related condition; NUS1-Related Disorders. Identifiers: MedGen CN382504, MONDO:1060287.

Allele frequency attached by ClinVar (database versions not stated): ExAC below 0.00001; gnomAD 0.00001; gnomAD exomes 0.00001.
gnomAD v4.1: 11 of 1,550,406 alleles (0.00071%); highest among the groups gnomAD compares: Non-Finnish European, 0.00096%; no homozygotes.

Submissions (3):

Labcorp Genetics (formerly Invitae), Labcorp
Classification: Likely benign for Congenital disorder of glycosylation, type Iaa. Last evaluated: 2023-07-10. Review status: criteria provided, single submitter. Criteria: Invitae Variant Classification Sherloc (09022015). Collection method: clinical testing. Allele origin: germline.

Blueprint Genetics
Classification: Likely benign. Last evaluated: 2021-12-23. Review status: criteria provided, single submitter. Criteria: ACMG Guidelines, 2015. Collection method: clinical testing. Allele origin: germline.

PreventionGenetics, part of Exact Sciences
Classification: Likely benign for NUS1-related condition. Last evaluated: 2019-07-12. Review status: no assertion criteria provided. Collection method: clinical testing. Allele origin: germline. Not counted in ClinVar's aggregate classification.
Comment: This variant is classified as likely benign based on ACMG/AMP sequence variant interpretation guidelines (Richards et al. 2015 PMID: 25741868, with internal and published modifications).